The following is an entry in ClinVar:

ClinVar aggregate classification (germline): Conflicting classifications of pathogenicity. Review status: criteria provided, conflicting classifications (1 of 4 stars). 2 submissions from 2 submitters: Uncertain significance (1); Likely benign (1). Last evaluated 2025-10-13.

Conditions:
Cardiovascular phenotype. Identifiers: MedGen CN230736.
Myofibrillar myopathy 5. Also called: Filaminopathy (type); FILAMINOPATHY, AUTOSOMAL DOMINANT. Identifiers: Orphanet 171445, MedGen C1836050, MONDO:0012289, OMIM 609524.
Distal myopathy with posterior leg and anterior hand involvement. Also called: WILLIAMS DISTAL MYOPATHY. Identifiers: Orphanet 63273, MedGen C3279722, MONDO:0013550, OMIM 614065.
Hypertrophic cardiomyopathy 26. Also called: Cardiomyopathy, familial hypertrophic, 26. Identifiers: Orphanet 75249, MedGen C4310749, MONDO:0014883, OMIM 617047.

Allele frequency attached by ClinVar (database versions not stated): gnomAD 0.00001; TOPMed 0.00001; gnomAD exomes 0.00002 and 0.00003; ExAC 0.00003; 1000 Genomes Project 30x 0.00016; 1000 Genomes Project 0.00020.
gnomAD v4.1: 25 of 1,614,014 alleles (0.0015%); highest among the groups gnomAD compares: East Asian, 0.056%; no homozygotes.

Submissions (2):

Labcorp Genetics (formerly Invitae), Labcorp
Classification: Likely benign for Distal myopathy with posterior leg and anterior hand involvement; Myofibrillar myopathy 5; Hypertrophic cardiomyopathy 26. Last evaluated: 2025-10-13. Review status: criteria provided, single submitter. Criteria: Invitae Variant Classification Sherloc (09022015). Collection method: clinical testing. Allele origin: germline.

Ambry Genetics
Classification: Uncertain significance for Cardiovascular phenotype. Last evaluated: 2025-07-24. Review status: criteria provided, single submitter. Criteria: Ambry Variant Classification Scheme 2023. Collection method: clinical testing. Allele origin: germline.
Comment: The p.E637G variant (also known as c.1910A>G), located in coding exon 12 of the FLNC gene, results from an A to G substitution at nucleotide position 1910. The glutamic acid at codon 637 is replaced by glycine, an amino acid with similar properties. This variant was reported in individuals with hypertrophic cardiomyopathy (HCM) and dilated cardiomyopathy (DCM) (Cui H et al. Mol Genet Genomic Med, 2018 Nov;6:1104-1113; Lian H et al. J Transl Med, 2023 Jul;21:476). This amino acid position is not well conserved in available vertebrate species. In addition, the in silico prediction for this alteration is inconclusive. Based on the available evidence, the clinical significance of this variant remains unclear.

Literature cited by the submitters: PubMed 30411535 (cited by Ambry Genetics); PubMed 37461109 (cited by Ambry Genetics).

NM_001458.5(FLNC):c.1910A>G (p.Glu637Gly)

Gene: FLNC (filamin C; plus strand). Cytogenetic location: 7q32.1.
Variant type: single nucleotide variant.
Coding change: c.1910A>G on transcript NM_001458.5 (MANE Select); coding-DNA position 1910, A replaced by G.
Protein change: p.Glu637Gly; replaces glutamic acid 637 with glycine.
Molecular consequence: missense variant.
Genome position (GRCh38, 1-based): chr7:128,841,266, A>G. VCF-style: chr7-128841266-A-G. GRCh37 (hg19) VCF-style: chr7-128481320-A-G.
Other names: c.1910A>G, p.Glu637Gly (NM_001127487.2); c.1910A>G (NM_001458.4); short protein forms E637G.
Identifiers: ClinVar variation 1513083 (VCV001513083.7), dbSNP rs536328437, ClinGen allele CA4474527.
Genomic context (GRCh38, chr7:128,841,266, plus strand): 5'-AATGTGACGACAAGGGGGATGGCTCCTGCGATGTGCGGTACTGGCCCACGGAGCCTGGGG[A>G]GTACGCTGTGCACGTCATCTGTGACGATGAGGACATCCGAGACTCACCCTTCATTGCCCA-3'
Protein context (NP_001449.3, residues 627-647): DVRYWPTEPG[Glu637Gly]YAVHVICDDE